The following is an entry in ClinVar:

ClinVar aggregate classification (germline): Uncertain significance (1 of 4 stars; one submission).

Submission:

GeneDx
Classification: Uncertain significance. Last evaluated: 2023-02-24. Review status: criteria provided, single submitter. Criteria: GeneDx Variant Classification Process June 2021. Collection method: clinical testing. Allele origin: germline. Affected: yes.
Comment: Not observed at significant frequency in large population cohorts (gnomAD); In silico analysis supports that this missense variant does not alter protein structure/function; Has not been previously published as pathogenic or benign to our knowledge

NM_173495.3(PTCHD1):c.179A>G (p.His60Arg)

Gene: PTCHD1 (patched domain containing 1; plus strand). Cytogenetic location: Xp22.11.
Variant type: single nucleotide variant.
Coding change: c.179A>G on transcript NM_173495.3 (MANE Select); coding-DNA position 179, A replaced by G.
Protein change: p.His60Arg; replaces histidine 60 with arginine.
Molecular consequence: missense variant.
Genome position (GRCh38, 1-based): chrX:23,335,054, A>G. VCF-style: chrX-23335054-A-G. GRCh37 (hg19) VCF-style: chrX-23353171-A-G.
Other names: short protein forms H60R.
Identifiers: ClinVar variation 2578124 (VCV002578124.1), dbSNP rs2518737631, ClinGen allele CA412579111.
Genomic context (GRCh38, chrX:23,335,054, plus strand): 5'-GCGCCAGCTTCAGCCGCTACCAGGTCGAGGAGAGCGTGGAGCACCTGCTGGCGCCCCAGC[A>G]CAGCCTGGCCAAGATCGAGCGCAACCTCGTTAACAGCCTCTTCCCGGTCAACCGCTCCAA-3'
Protein context (NP_775766.2, residues 50-70): ESVEHLLAPQ[His60Arg]SLAKIERNLV